The following is an entry in ClinVar:

ClinVar aggregate classification (germline): Uncertain significance (1 of 4 stars; one submission).

Allele frequency attached by ClinVar (database versions not stated): gnomAD exomes below 0.00001; gnomAD 0.00002; TOPMed 0.00002.
gnomAD v4.1: 8 of 1,603,080 alleles (0.0005%); highest among the groups gnomAD compares: African/African-American, 0.0013%; no homozygotes.

Submission:

Labcorp Genetics (formerly Invitae), Labcorp
Classification: Uncertain significance. Last evaluated: 2025-07-05. Review status: criteria provided, single submitter. Criteria: Invitae Variant Classification Sherloc (09022015). Collection method: clinical testing. Allele origin: germline.
Comment: This sequence change replaces lysine, which is basic and polar, with glutamine, which is neutral and polar, at codon 627 of the NEFH protein (p.Lys627Gln). This variant is present in population databases (no rsID available, gnomAD 0.01%). This variant has not been reported in the literature in individuals affected with NEFH-related conditions. ClinVar contains an entry for this variant (Variation ID: 2071045). Invitae Evidence Modeling of protein sequence and biophysical properties (such as structural, functional, and spatial information, amino acid conservation, physicochemical variation, residue mobility, and thermodynamic stability) indicates that this missense variant is not expected to disrupt NEFH protein function with a negative predictive value of 95%. In summary, the available evidence is currently insufficient to determine the role of this variant in disease. Therefore, it has been classified as a Variant of Uncertain Significance.

NM_021076.4(NEFH):c.1879A>C (p.Lys627Gln)

Gene: NEFH (neurofilament heavy chain; plus strand). Cytogenetic location: 22q12.2.
Variant type: single nucleotide variant.
Coding change: c.1879A>C on transcript NM_021076.4 (MANE Select); coding-DNA position 1879, A replaced by C.
Protein change: p.Lys627Gln; replaces lysine 627 with glutamine.
Molecular consequence: missense variant.
Genome position (GRCh38, 1-based): chr22:29,489,519, A>C. VCF-style: chr22-29489519-A-C. GRCh37 (hg19) VCF-style: chr22-29885508-A-C.
Other names: short protein forms K627Q.
Identifiers: ClinVar variation 2071045 (VCV002071045.4), dbSNP rs1353842666, ClinGen allele CA411132248.